The following is an entry in ClinVar:

NM_002225.5(IVD):c.860T>C (p.Leu287Pro)

Gene: IVD (isovaleryl-CoA dehydrogenase; plus strand). Cytogenetic location: 15q15.1.
Variant type: single nucleotide variant.
Coding change: c.860T>C on transcript NM_002225.5 (MANE Select); coding-DNA position 860, T replaced by C.
Protein change: p.Leu287Pro; replaces leucine 287 with proline.
Molecular consequence: missense variant. On other transcripts: non-coding transcript variant (1).
Genome position (GRCh38, 1-based): chr15:40,414,964, T>C. VCF-style: chr15-40414964-T-C. GRCh37 (hg19) VCF-style: chr15-40707163-T-C.
Other names: c.770T>C, p.Leu257Pro (NM_001159508.3); c.812T>C, p.Leu271Pro (NM_001354597.3); c.860T>C, p.Leu287Pro (NM_001354598.3, NM_001354601.3); c.947T>C, p.Leu316Pro (NM_001354599.3, NM_001354600.3); short protein forms L257P, L271P, L287P, L316P.
Identifiers: ClinVar variation 2506277 (VCV002506277.1), dbSNP rs1187200774, ClinGen allele CA391720895.

ClinVar aggregate classification (germline): Uncertain significance (1 of 4 stars; one submission).

Allele frequency attached by ClinVar (database versions not stated): gnomAD 0.00001; gnomAD exomes 0.00001; TOPMed 0.00001.
gnomAD v4.1: 9 of 1,613,894 alleles (0.00056%); highest among the groups gnomAD compares: Non-Finnish European, 0.00076%; no homozygotes.

Submission:

Women's Health and Genetics/Laboratory Corporation of America, LabCorp
Classification: Uncertain significance. Last evaluated: 2023-05-30. Review status: criteria provided, single submitter. Criteria: LabCorp Variant Classification Summary - May 2015. Collection method: clinical testing. Allele origin: germline.
Comment: Variant summary: IVD c.860T>C (p.Leu287Pro) results in a non-conservative amino acid change in the encoded protein sequence. Five of five in-silico tools predict a damaging effect of the variant on protein function. The variant was absent in 250590 control chromosomes. The available data on variant occurrences in the general population are insufficient to allow any conclusion about variant significance. c.860T>C has been reported in the literature in the context of newborn screening. This report does not provide unequivocal conclusions about association of the variant with Isovaleryl-CoA Dehydrogenase Deficiency. To our knowledge, no experimental evidence demonstrating an impact on protein function has been reported. The following publication have been ascertained in the context of this evaluation (PMID: 32778825). No clinical diagnostic laboratories have submitted clinical-significance assessments for this variant to ClinVar after 2014. Based on the evidence outlined above, the variant was classified as uncertain significance.

Literature cited by the submitters: PubMed 32778825.